The following is an entry in ClinVar:

ClinVar aggregate classification (germline): Pathogenic (1 of 4 stars; one submission).

Conditions:
Hereditary cancer-predisposing syndrome. Also called: Hereditary Cancer Syndrome; Hereditary neoplastic syndrome; Neoplastic Syndromes, Hereditary; Tumor predisposition. Identifiers: Orphanet 140162, MedGen C0027672, MeSH D009386, MONDO:0015356.

Submission:

Ambry Genetics
Classification: Pathogenic for Hereditary cancer-predisposing syndrome. Last evaluated: 2022-02-23. Review status: criteria provided, single submitter. Criteria: Ambry Variant Classification Scheme 2023. Collection method: clinical testing. Allele origin: germline.
Comment: The c.4566delT pathogenic mutation, located in coding exon 34 of the TSC2 gene, results from a deletion of one nucleotide at nucleotide position 4566, causing a translational frameshift with a predicted alternate stop codon (p.N1522Kfs*54). This variant is considered to be rare based on population cohorts in the Genome Aggregation Database (gnomAD). This alteration is expected to result in loss of function by premature protein truncation or nonsense-mediated mRNA decay. As such, this alteration is interpreted as a disease-causing mutation.

NM_000548.5(TSC2):c.4566del (p.Asn1522fs)

Gene: TSC2 (TSC complex subunit 2; plus strand). Cytogenetic location: 16p13.3.
Variant type: Deletion.
Coding change: c.4566del on transcript NM_000548.5 (MANE Select); coding-DNA position 4566, one base deleted (T; older notation c.4566delT).
Protein change: p.Asn1522fs; shifts the reading frame from asparagine 1522.
Molecular consequence: frameshift variant.
Genome position (GRCh38, 1-based): chr16:2,085,023, T deleted. VCF-style (leftmost placement, unchanged base first): chr16-2085022-AT-A. GRCh37 (hg19) VCF-style: chr16-2135023-AT-A.
Other names: c.4365del, p.Asn1455fs (NM_001077183.3); c.4497del, p.Asn1499fs (NM_001114382.3); c.4257del, p.Asn1419fs (NM_001318827.2); c.4221del, p.Asn1407fs (NM_001318829.2); c.3834del, p.Asn1278fs (NM_001318831.2); c.4398del, p.Asn1466fs (NM_001318832.2); c.4368del, p.Asn1456fs (NM_001363528.2); c.4434del, p.Asn1478fs (NM_001370404.1); and 26 more; short protein forms N1478fs, N1499fs, N1419fs, N1456fs, N1479fs, N1278fs, N1455fs, N1466fs.
Identifiers: ClinVar variation 1741518 (VCV001741518.2), dbSNP rs2544308812, ClinGen allele CA2580091015.
Genomic context (GRCh38, chr16:2,085,022, plus strand): 5'-TGCAGCTCTACCATTCCCCCTTCTTTGGCGACGAGTCAAACAAGCCAATCCTGCTGCCCA[AT>A]GAGGTAGGCGTGGCCTCCCTCTCCTGCATCCGCTGGAGCTGTGTGGCTCGGGTGAATGGT-3'